The following is an entry in ClinVar:

NM_001144967.3(NEDD4L):c.1000C>A (p.Pro334Thr)

Gene: NEDD4L (NEDD4 like E3 ubiquitin protein ligase; plus strand). Cytogenetic location: 18q21.31.
Variant type: single nucleotide variant.
Coding change: c.1000C>A on transcript NM_001144967.3 (MANE Select); coding-DNA position 1000, C replaced by A.
Protein change: p.Pro334Thr; replaces proline 334 with threonine.
Molecular consequence: missense variant.
Genome position (GRCh38, 1-based): chr18:58,333,827, C>A. VCF-style: chr18-58333827-C-A. GRCh37 (hg19) VCF-style: chr18-56001059-C-A.
Other names: c.637C>A, p.Pro213Thr (NM_001144964.1, NM_001144965.2, NM_001144966.3 and 2 more transcripts); c.976C>A, p.Pro326Thr (NM_001144968.2, NM_001144969.2); c.1000C>A, p.Pro334Thr (NM_001243960.2, NM_015277.6); short protein forms P213T, P326T, P334T.
Identifiers: ClinVar variation 3370922 (VCV003370922.2).

ClinVar aggregate classification (germline): Uncertain significance (1 of 4 stars; one submission).

gnomAD v4.1: 2 of 1,613,366 alleles (0.00012%); no homozygotes.

Submission:

GeneDx
Classification: Uncertain significance. Last evaluated: 2025-02-20. Review status: criteria provided, single submitter. Criteria: GeneDx Variant Classification Process June 2021. Collection method: clinical testing. Allele origin: germline. Affected: yes.
Comment: Not observed at significant frequency in large population cohorts (gnomAD); In silico analysis indicates that this missense variant does not alter protein structure/function; Has not been previously published as pathogenic or benign to our knowledge